The following is an entry in ClinVar:

NM_006231.4(POLE):c.2956C>T (p.Gln986Ter)

Gene: POLE (DNA polymerase epsilon, catalytic subunit; minus strand). Cytogenetic location: 12q24.33.
Variant type: single nucleotide variant.
Coding change: c.2956C>T on transcript NM_006231.4 (MANE Select); coding-DNA position 2956, C replaced by T.
Protein change: p.Gln986Ter; replaces glutamine 986 with a stop codon.
Molecular consequence: nonsense.
Genome position (GRCh38, 1-based): chr12:132,661,073, G>A on the plus strand (C>T on the coding strand, the complement: POLE is on the minus strand). VCF-style: chr12-132661073-G-A. GRCh37 (hg19) VCF-style: chr12-133237659-G-A.
Other names: short protein forms Q986*.
Identifiers: ClinVar variation 1374152 (VCV001374152.6), dbSNP rs2042668476, ClinGen allele CA387392498.

ClinVar aggregate classification (germline): Pathogenic (1 of 4 stars; one submission).

Allele frequency attached by ClinVar (database versions not stated): TOPMed below 0.00001; gnomAD 0.00001.

Submission:

Labcorp Genetics (formerly Invitae), Labcorp
Classification: Pathogenic. Last evaluated: 2022-05-12. Review status: criteria provided, single submitter. Criteria: Invitae Variant Classification Sherloc (09022015). Collection method: clinical testing. Allele origin: germline.
Comment: This variant is not present in population databases (gnomAD no frequency). This variant has not been reported in the literature in individuals affected with POLE-related conditions. For these reasons, this variant has been classified as Pathogenic. This sequence change creates a premature translational stop signal (p.Gln986*) in the POLE gene. It is expected to result in an absent or disrupted protein product. Loss-of-function variants in POLE are known to be pathogenic (PMID: 23230001, 25948378, 30503519).

Literature cited by the submitters: PubMed 23230001; PubMed 25948378; PubMed 30503519.